The following is an entry in ClinVar:

NM_001368894.2(PAX6):c.141+54C>A

Gene: PAX6 (paired box 6; minus strand). Cytogenetic location: 11p13.
Variant type: single nucleotide variant.
Coding change: c.141+54C>A on transcript NM_001368894.2 (MANE Select); 54 bases into the intron after coding-DNA position 141, C replaced by A.
Molecular consequence: intron variant. On other transcripts: missense variant (3).
Genome position (GRCh38, 1-based): chr11:31,802,650, G>T on the plus strand (C>A on the coding strand, the complement: PAX6 is on the minus strand). VCF-style: chr11-31802650-G-T. GRCh37 (hg19) VCF-style: chr11-31824198-G-T.
Other names: c.141+54C>A (NM_001368890.2, NM_001310158.2, NM_001368888.2 and 27 more transcripts); c.384+54C>A (NM_001368910.2); c.-267-874C>A (NM_001368909.2, NM_001368904.2); c.144+54C>A (NM_001368911.2); c.-641+54C>A (NM_001368905.2, NM_001310160.2); c.-268+54C>A (NM_001368906.2, NM_001368901.2, NM_001368899.2 and 1 more transcripts); c.-310+54C>A (NM_001368908.2, NM_001310161.3, NM_001368900.2 and 2 more transcripts); c.-599+54C>A (NM_001368902.2); and 1 more; short protein forms N65K.
Identifiers: ClinVar variation 4882621 (VCV004882621.2).

ClinVar aggregate classification (germline): Uncertain significance (1 of 4 stars; one submission).

gnomAD v4.1: 4 of 1,579,958 alleles (0.00025%); highest among the groups gnomAD compares: Non-Finnish European, 0.00034%; no homozygotes.

Submission:

Dasa
Classification: Uncertain significance. Last evaluated: 2024-11-11. Review status: criteria provided, single submitter. Criteria: DASA Assertion Criteria. Collection method: clinical testing. Allele origin: germline.
Comment: NM_001368918.2(PAX6):c.195C>A (p.Asn65Lys) is a missense variant that results in the substitution of asparagine with lysine. This variant is rare in population databases. The currently available literature and clinical evidence are not sufficient to establish a definitive association between this variant and the reported condition. Therefore, this variant is classified as a variant of uncertain significance.